The following is an entry in ClinVar:

NM_000059.4(BRCA2):c.1844A>C (p.Asn615Thr)

Gene: BRCA2 (BRCA2 DNA repair associated; plus strand). Cytogenetic location: 13q13.1.
Variant type: single nucleotide variant.
Coding change: c.1844A>C on transcript NM_000059.4 (MANE Select); coding-DNA position 1844, A replaced by C.
Protein change: p.Asn615Thr; replaces asparagine 615 with threonine.
Molecular consequence: missense variant.
Genome position (GRCh38, 1-based): chr13:32,333,322, A>C. VCF-style: chr13-32333322-A-C. GRCh37 (hg19) VCF-style: chr13-32907459-A-C.
Other names: short protein forms N615T.
Identifiers: ClinVar variation 820175 (VCV000820175.8), dbSNP rs1593894051, ClinGen allele CA387766311.

ClinVar aggregate classification (germline): Conflicting classifications of pathogenicity. Review status: criteria provided, conflicting classifications (1 of 4 stars). 3 submissions from 3 submitters: Uncertain significance (2); Likely benign (1). Last evaluated 2024-08-19.

Conditions:
Hereditary cancer-predisposing syndrome. Also called: Neoplastic Syndromes, Hereditary; Tumor predisposition; Hereditary Cancer Syndrome; Hereditary neoplastic syndrome. Identifiers: Orphanet 140162, MedGen C0027672, MeSH D009386, MONDO:0015356.
Hereditary breast ovarian cancer syndrome. Also called: Hereditary breast and/or ovarian cancer syndrome; BRCA1- and BRCA2-Associated Hereditary Breast and Ovarian Cancer; Hereditary breast and ovarian cancer syndrome; Hereditary breast and ovarian cancer; Hereditary breast and ovarian cancer syndrome (HBOC); Breast and ovarian cancer. Identifiers: Orphanet 145, MedGen C0677776, MeSH D061325, MONDO:0003582. Disease mechanism: loss of function.

Submissions (3):

Labcorp Genetics (formerly Invitae), Labcorp
Classification: Uncertain significance for Hereditary breast ovarian cancer syndrome. Last evaluated: 2024-08-19. Review status: criteria provided, single submitter. Criteria: Invitae Variant Classification Sherloc (09022015). Collection method: clinical testing. Allele origin: germline.
Comment: This sequence change replaces asparagine, which is neutral and polar, with threonine, which is neutral and polar, at codon 615 of the BRCA2 protein (p.Asn615Thr). This variant is not present in population databases (gnomAD no frequency). This variant has not been reported in the literature in individuals affected with BRCA2-related conditions. ClinVar contains an entry for this variant (Variation ID: 820175). Invitae Evidence Modeling of protein sequence and biophysical properties (such as structural, functional, and spatial information, amino acid conservation, physicochemical variation, residue mobility, and thermodynamic stability) indicates that this missense variant is not expected to disrupt BRCA2 protein function with a negative predictive value of 95%. In summary, the available evidence is currently insufficient to determine the role of this variant in disease. Therefore, it has been classified as a Variant of Uncertain Significance.

University of Washington Department of Laboratory Medicine, University of Washington
Classification: Likely benign for Hereditary cancer-predisposing syndrome. Last evaluated: 2023-03-23. Review status: criteria provided, single submitter. Criteria: Dines et al. (Genet Med. 2020). Collection method: curation. Allele origin: germline.
Comment: Missense variant in a coldspot region where missense variants are very unlikely to be pathogenic (PMID:31911673).

BRCA2 exon 10 coldspot. Reclassification based on statistical prior probability.

Ambry Genetics
Classification: Uncertain significance for Hereditary cancer-predisposing syndrome. Last evaluated: 2019-10-31. Review status: criteria provided, single submitter. Criteria: Ambry Variant Classification Scheme 2023. Collection method: clinical testing. Allele origin: germline.
Comment: The p.N615T variant (also known as c.1844A>C), located in coding exon 9 of the BRCA2 gene, results from an A to C substitution at nucleotide position 1844. The asparagine at codon 615 is replaced by threonine, an amino acid with similar properties. This amino acid position is not well conserved in available vertebrate species. In addition, this alteration is predicted to be tolerated by in silico analysis. Since supporting evidence is limited at this time, the clinical significance of this alteration remains unclear.